The following is an entry in ClinVar:

NC_000009.11:g.(?_139088095)_(139095036_?)dup

Gene: LHX3 (LIM homeobox 3; minus strand). Cytogenetic location: 9q34.3.
Variant type: Duplication.
Identifiers: ClinVar variation 4689567 (VCV004689567.1).

ClinVar aggregate classification (germline): Uncertain significance (1 of 4 stars; one submission).

Submission:

Women's Health and Genetics/Laboratory Corporation of America, LabCorp
Classification: Uncertain significance. Last evaluated: 2026-01-07. Review status: criteria provided, single submitter. Criteria: LabCorp Variant Classification Summary - May 2015. Collection method: clinical testing. Allele origin: germline.
Comment: Variant summary: The variant involves the duplication of exons 1-6 in the LHX3 gene. This duplication includes the entire coding sequence of the gene. As exact breakpoints are unknown, it may extend beyond the annotated region of the gene, to include other flanking genes. A presumed nomenclature of c.(?_-151)_(*1076_?)dup has been designated for the purposes of this classification. The variant was absent in 21694 control chromosomes. The available data on variant occurrences in the general population are insufficient to allow any conclusion about variant significance. To our knowledge, no occurrence of c.(?_-151)_(*1076_?)dup in individuals affected with LHX3-related conditions and no experimental evidence demonstrating its impact on protein function have been reported. ClinVar contains an entry for this variant (Variation ID: 2425954). Based on the evidence outlined above, the variant was classified as uncertain significance.